The following is an entry in ClinVar:

ClinVar aggregate classification (germline): not provided (0 of 4 stars; one submission).

Conditions:
Preeclampsia. Identifiers: Orphanet 275555, MedGen C0032914, MONDO:0005081, HP:0100602.

Submission:

Institute of Molecular and Cell Biology, University of Tartu
No classification provided. Condition: Preeclampsia. Review status: no classification provided. Collection method: case-control. Allele origin: unknown. Affected: yes. Study: Kasak2014.
Comment: The study aimed to determine the contribution of copy number variants in the genetic etiology of normal and complicated pregnancies. The samples represented (i) maternal blood DNA drawn from healthy pregnant women during 1st or 2nd trimester and (ii) maternal and paternal blood DNA drawn at term pregnancy cases representing normal and complicated gestations (severe preeclampsia, PE; gestational diabetes, GD; small-for-gestational age newborn, SGA; large-for-gestational age newborn, LGA). We performed CNV calling based on genome-wide genotyping dataset (Illumina HumanOmniExpress-24-v1 BeadChip) by applying three algorithms, QuantiSNP, GADA (Genome Alteration Detection Algorithm) and CNstream in parallel. The acquired CNV calls were merged with HD-CNV (Hotspot Detector for Copy Number Variants) program and only the CNVs predicted by at least two programs, were considered in subsequent analysis.

Literature cited by the submitters: PubMed 25666259.

NC_000006.12:g.14839547_14845568del

Gene: LOC123575679 (Sharpr-MPRA regulatory region 9180; plus strand). Cytogenetic location: 6p23.
Variant type: Deletion.
Genome position: GRCh38: chr6:14,839,547-14,845,568. GRCh37 (hg19): chr6:14,839,778-14,845,799.
Identifiers: ClinVar variation 156999 (VCV000156999.3), ClinGen allele CA212135.